The following is an entry in ClinVar:

ClinVar aggregate classification (germline): Uncertain significance (1 of 4 stars; one submission).

Conditions:
Diets-Jongmans syndrome. Also called: INTELLECTUAL DEVELOPMENTAL DISORDER WITH DISTINCTIVE FACIAL DYSMORPHISM. Identifiers: MedGen C5394263, MONDO:0030012, OMIM 618846.

Submission:

Laboratorio de Genetica e Diagnostico Molecular, Hospital Israelita Albert Einstein
Classification: Uncertain significance for Diets-Jongmans syndrome. Last evaluated: 2022-12-09. Review status: criteria provided, single submitter. Criteria: ACMG Guidelines, 2015. Collection method: clinical testing. Allele origin: germline. Affected: yes. Observed: 1 variant allele.
Comment: ACMG classification criteria: PM1 moderated, PM2 moderated, PP3 supporting

NM_016604.4(KDM3B):c.5107G>T (p.Asp1703Tyr)

Gene: KDM3B (lysine demethylase 3B; plus strand). Cytogenetic location: 5q31.2.
Variant type: single nucleotide variant.
Coding change: c.5107G>T on transcript NM_016604.4 (MANE Select); coding-DNA position 5107, G replaced by T.
Protein change: p.Asp1703Tyr; replaces aspartic acid 1703 with tyrosine.
Molecular consequence: missense variant.
Genome position (GRCh38, 1-based): chr5:138,431,461, G>T. VCF-style: chr5-138431461-G-T. GRCh37 (hg19) VCF-style: chr5-137767150-G-T.
Other names: short protein forms D1703Y.
Identifiers: ClinVar variation 2431910 (VCV002431910.1), dbSNP rs2480338381, ClinGen allele CA361097503.